The following is an entry in ClinVar:

NM_013336.4(SEC61A1):c.849C>T (p.Leu283=)

Genes: RUVBL1 (RuvB like AAA ATPase 1; minus strand), SEC61A1 (SEC61 translocon subunit alpha 1; plus strand). Cytogenetic location: 3q21.3.
Variant type: single nucleotide variant.
Coding change: c.849C>T on transcript NM_013336.4 (MANE Select); coding-DNA position 849, C replaced by T.
Protein change: p.Leu283=; no amino-acid change (leucine 283 retained).
Molecular consequence: synonymous variant. On other transcripts: intron variant (1).
Genome position (GRCh38, 1-based): chr3:128,067,025, C>T. VCF-style: chr3-128067025-C-T. GRCh37 (hg19) VCF-style: chr3-127785868-C-T.
Other names: c.867C>T, p.Leu289= (NM_001400328.1); c.690C>T, p.Leu230= (NM_001400329.1); c.940-1805G>A (NM_001319086.1).
Identifiers: ClinVar variation 3352281 (VCV003352281.1).

ClinVar aggregate classification (germline): Likely benign (0 of 4 stars; one submission).

Conditions:
SEC61A1-related disorder. Also called: SEC61A1-related condition.

Submission:

PreventionGenetics, part of Exact Sciences
Classification: Likely benign for SEC61A1-related condition. Last evaluated: 2019-06-18. Review status: no assertion criteria provided. Collection method: clinical testing. Allele origin: germline.
Comment: This variant is classified as likely benign based on ACMG/AMP sequence variant interpretation guidelines (Richards et al. 2015 PMID: 25741868, with internal and published modifications).